The following is an entry in ClinVar:

NM_001199107.2(TBC1D24):c.1606del (p.Gln536fs)

Gene: TBC1D24 (TBC1 domain family member 24; plus strand). Cytogenetic location: 16p13.3.
Variant type: Deletion.
Coding change: c.1606del on transcript NM_001199107.2 (MANE Select); coding-DNA position 1606, one base deleted (C; older notation c.1606delC).
Protein change: p.Gln536fs; shifts the reading frame from glutamine 536.
Molecular consequence: frameshift variant.
Genome position (GRCh38, 1-based): chr16:2,500,884, C deleted; the last of 2 consecutive C bases (chr16:2,500,883-2,500,884); deleting either gives the same sequence. VCF-style (leftmost placement, unchanged base first): chr16-2500882-AC-A. GRCh37 (hg19) VCF-style: chr16-2550883-AC-A.
Other names: c.1588del, p.Gln530fs (NM_020705.3); short protein forms Q530fs, Q536fs.
Identifiers: ClinVar variation 586775 (VCV000586775.7), dbSNP rs1567414972, ClinGen allele CA891843605.
Genomic context (GRCh38, chr16:2,500,882, plus strand): 5'-CGCTCTACATCGATGGGGACCTGAACCGGGGCCGCACAAGCCACTGCGACACCTTCAACA[AC>A]CAGCCCCTCTGCTCCGAGAACTTCCTCATTGCTGCCGTGGAGGCCTGGGGCTTCCAGGAC-3'

ClinVar aggregate classification (germline): Uncertain significance. Review status: criteria provided, multiple submitters, no conflicts (2 of 4 stars). 2 submissions from 2 submitters: Uncertain significance (2). Last evaluated 2025-05-30.

Conditions:
Autosomal dominant nonsyndromic hearing loss 65. Also called: Deafness, autosomal dominant 65; TBC1D24-Related Autosomal Dominant Nonsyndromic Hearing Loss (DFNA). Identifiers: Orphanet 90635, MedGen C3892048, MONDO:0014470, OMIM 616044.
Developmental and epileptic encephalopathy, 1 (DEE1). Also called: Epileptic encephalopathy, early infantile, 1; X-linked infantile spasms; West's syndrome; Tonic spasms with clustering, arrest of psychomotor development and hypsarrhythmia on EEG; X-Linked Infantile Spasm Syndrome; OHTAHARA SYNDROME, X-LINKED. Identifiers: MedGen C3463992, MONDO:0010632, OMIM 308350. Disease mechanism: loss of function.

Submissions (2):

Labcorp Genetics (formerly Invitae), Labcorp
Classification: Uncertain significance for Developmental and epileptic encephalopathy, 1; Autosomal dominant nonsyndromic hearing loss 65. Last evaluated: 2025-05-30. Review status: criteria provided, single submitter. Criteria: Invitae Variant Classification Sherloc (09022015). Collection method: clinical testing. Allele origin: germline.
Comment: This sequence change is expected to alter the c-terminus of the TBC1D24 protein (p.Gln536Serfs*32). While this is not anticipated to result in nonsense mediated decay, it is expected to disrupt the last 24 amino acid(s) of the TBC1D24 protein and extend the protein by 7 additional amino acid residues. This variant is not present in population databases (gnomAD no frequency). This variant has not been reported in the literature in individuals affected with TBC1D24-related conditions. ClinVar contains an entry for this variant (Variation ID: 586775). Experimental studies and prediction algorithms are not available or were not evaluated, and the functional significance of this variant is currently unknown. In summary, the available evidence is currently insufficient to determine the role of this variant in disease. Therefore, it has been classified as a Variant of Uncertain Significance.

Athena Diagnostics
Classification: Uncertain significance. Last evaluated: 2018-07-18. Review status: criteria provided, single submitter. Criteria: Athena Diagnostics Criteria. Collection method: clinical testing. Allele origin: germline.